The following is an entry in ClinVar:

ClinVar aggregate classification (germline): Likely pathogenic (1 of 4 stars; one submission).

Conditions:
Multiple congenital exostosis (EXT). Also called: Hereditary multiple osteochondromas; Multiple osteochondromas; Hereditary multiple exostoses; Hereditary multiple exostosis; MULTIPLE CARTILAGINOUS EXOSTOSES; Multiple exostoses. Identifiers: Orphanet 321, MedGen C0015306, MONDO:0005508, HP:0002762.

Submission:

Labcorp Genetics (formerly Invitae), Labcorp
Classification: Likely pathogenic for Multiple congenital exostosis. Last evaluated: 2022-11-29. Review status: criteria provided, single submitter. Criteria: Invitae Variant Classification Sherloc (09022015). Collection method: clinical testing. Allele origin: germline.
Comment: In summary, the currently available evidence indicates that the variant is pathogenic, but additional data are needed to prove that conclusively. Therefore, this variant has been classified as Likely Pathogenic. Advanced modeling of protein sequence and biophysical properties (such as structural, functional, and spatial information, amino acid conservation, physicochemical variation, residue mobility, and thermodynamic stability) performed at Invitae indicates that this missense variant is expected to disrupt EXT1 protein function. ClinVar contains an entry for this variant (Variation ID: 1020750). This missense change has been observed in individual(s) with clinical features of hereditary multiple osteochondromas (Invitae). This variant is not present in population databases (gnomAD no frequency). This sequence change replaces tyrosine, which is neutral and polar, with serine, which is neutral and polar, at codon 203 of the EXT1 protein (p.Tyr203Ser).

NM_000127.3(EXT1):c.608A>C (p.Tyr203Ser)

Gene: EXT1 (exostosin glycosyltransferase 1; minus strand). Cytogenetic location: 8q24.11.
Variant type: single nucleotide variant.
Coding change: c.608A>C on transcript NM_000127.3 (MANE Select); coding-DNA position 608, A replaced by C.
Protein change: p.Tyr203Ser; replaces tyrosine 203 with serine.
Molecular consequence: missense variant.
Genome position (GRCh38, 1-based): chr8:118,110,439, T>G on the plus strand (A>C on the coding strand, the complement: EXT1 is on the minus strand). VCF-style: chr8-118110439-T-G. GRCh37 (hg19) VCF-style: chr8-119122678-T-G.
Other names: short protein forms Y203S.
Identifiers: ClinVar variation 1020750 (VCV001020750.8), dbSNP rs1817876107, ClinGen allele CA371915459.